The following is an entry in ClinVar:

ClinVar aggregate classification (germline): Uncertain significance. Review status: criteria provided, single submitter (1 of 4 stars). 2 submissions from 2 submitters: Uncertain significance (1). 1 of the submissions does not count toward it. Last evaluated 2022-08-11.

Conditions:
ATXN1-related disorder. Also called: ATXN1-related condition.
Inborn genetic diseases. Identifiers: MedGen C0950123, MeSH D030342.

Allele frequency attached by ClinVar (database versions not stated): gnomAD 0.00027; TOPMed 0.00027; gnomAD exomes 0.00040; ExAC 0.00047; ESP Exome Variant Server 0.00054.
gnomAD v4.1: 624 of 1,607,752 alleles (0.039%); highest among the groups gnomAD compares: Non-Finnish European, 0.045%; no homozygotes.

Submissions (2):

Ambry Genetics
Classification: Uncertain significance for Inborn genetic diseases. Last evaluated: 2022-08-11. Review status: criteria provided, single submitter. Criteria: Ambry Variant Classification Scheme 2023. Collection method: clinical testing. Allele origin: germline.

PreventionGenetics, part of Exact Sciences
Classification: Likely benign for ATXN1-related condition. Last evaluated: 2022-06-27. Review status: no assertion criteria provided. Collection method: clinical testing. Allele origin: germline. Not counted in ClinVar's aggregate classification.
Comment: This variant is classified as likely benign based on ACMG/AMP sequence variant interpretation guidelines (Richards et al. 2015 PMID: 25741868, with internal and published modifications).

NM_001128164.2(ATXN1):c.2437G>A (p.Val813Ile)

Gene: ATXN1 (ataxin 1; minus strand). Cytogenetic location: 6p22.3.
Variant type: single nucleotide variant.
Coding change: c.2437G>A on transcript NM_001128164.2 (MANE Select); coding-DNA position 2437, G replaced by A.
Protein change: p.Val813Ile; replaces valine 813 with isoleucine.
Molecular consequence: missense variant. On other transcripts: 3 prime UTR variant (1).
Genome position (GRCh38, 1-based): chr6:16,306,340, C>T on the plus strand (G>A on the coding strand, the complement: ATXN1 is on the minus strand). VCF-style: chr6-16306340-C-T. GRCh37 (hg19) VCF-style: chr6-16306571-C-T.
Other names: c.2437G>A, p.Val813Ile (NM_000332.4); c.*1850G>A (NM_001357857.2); short protein forms V813I.
Identifiers: ClinVar variation 2227645 (VCV002227645.4), dbSNP rs148490141, ClinGen allele CA3645131.